The following is an entry in ClinVar:

NM_003924.4(PHOX2B):c.230C>G (p.Pro77Arg)

Genes: PHOX2B (paired like homeobox 2B; minus strand), PHOX2B-AS1 (PHOX2B antisense RNA 1; plus strand). Cytogenetic location: 4p13.
Variant type: single nucleotide variant.
Coding change: c.230C>G on transcript NM_003924.4 (MANE Select); coding-DNA position 230, C replaced by G.
Protein change: p.Pro77Arg; replaces proline 77 with arginine.
Molecular consequence: missense variant.
Genome position (GRCh38, 1-based): chr4:41,748,381, G>C on the plus strand (C>G on the coding strand, the complement: PHOX2B is on the minus strand). VCF-style: chr4-41748381-G-C. GRCh37 (hg19) VCF-style: chr4-41750398-G-C.
Other names: short protein forms P77R.
Identifiers: ClinVar variation 2448122 (VCV002448122.2), dbSNP rs1733979767, ClinGen allele CA356740778.

ClinVar aggregate classification (germline): Uncertain significance (1 of 4 stars; one submission).

Conditions:
Hereditary cancer-predisposing syndrome. Also called: Neoplastic Syndromes, Hereditary; Hereditary Cancer Syndrome; Tumor predisposition; Hereditary neoplastic syndrome. Identifiers: Orphanet 140162, MedGen C0027672, MeSH D009386, MONDO:0015356.

gnomAD v4.1: 1 of 1,614,158 alleles (0.000062%); highest among the groups gnomAD compares: East Asian, 0.0022%; no homozygotes.

Submission:

Ambry Genetics
Classification: Uncertain significance for Hereditary cancer-predisposing syndrome. Last evaluated: 2023-01-14. Review status: criteria provided, single submitter. Criteria: Ambry Variant Classification Scheme 2023. Collection method: clinical testing. Allele origin: germline.
Comment: The p.P77R variant (also known as c.230C>G), located in coding exon 1 of the PHOX2B gene, results from a C to G substitution at nucleotide position 230. The proline at codon 77 is replaced by arginine, an amino acid with dissimilar properties. This amino acid position is conserved. In addition, this alteration is predicted to be deleterious by in silico analysis. Since supporting evidence is limited at this time, the clinical significance of this alteration remains unclear.